The following is an entry in ClinVar:

ClinVar aggregate classification (germline): Uncertain significance (1 of 4 stars; one submission).

Conditions:
Dilated cardiomyopathy 1AA (CMD1AA). Also called: Cardiomyopathy, dilated, 1AA, with or without LVNC; CARDIOMYOPATHY, FAMILIAL HYPERTROPHIC, 23, WITH OR WITHOUT LEFT VENTRICULAR NONCOMPACTION; CARDIOMYOPATHY, DILATED, 1AA, WITH OR WITHOUT LEFT VENTRICULAR NONCOMPACTION. Identifiers: Orphanet 154, MedGen C2677338, MONDO:0012808, OMIM 612158.
Primary familial hypertrophic cardiomyopathy (HCM). Identifiers: Orphanet 99739, MedGen C0949658, MeSH D024741, MONDO:0024573. Inheritance: Various modes of inheritance.

Allele frequency attached by ClinVar (database versions not stated): gnomAD 0.00001; TOPMed 0.00001.
gnomAD v4.1: 6 of 1,613,952 alleles (0.00037%); highest among the groups gnomAD compares: African/African-American, 0.0013%; no homozygotes.

Submission:

Labcorp Genetics (formerly Invitae), Labcorp
Classification: Uncertain significance for Primary familial hypertrophic cardiomyopathy; Dilated cardiomyopathy 1AA. Last evaluated: 2024-11-11. Review status: criteria provided, single submitter. Criteria: Invitae Variant Classification Sherloc (09022015). Collection method: clinical testing. Allele origin: germline.
Comment: This sequence change replaces alanine, which is neutral and non-polar, with valine, which is neutral and non-polar, at codon 557 of the ACTN2 protein (p.Ala557Val). This variant is not present in population databases (gnomAD no frequency). This variant has not been reported in the literature in individuals affected with ACTN2-related conditions. ClinVar contains an entry for this variant (Variation ID: 2165226). Invitae Evidence Modeling of protein sequence and biophysical properties (such as structural, functional, and spatial information, amino acid conservation, physicochemical variation, residue mobility, and thermodynamic stability) indicates that this missense variant is not expected to disrupt ACTN2 protein function with a negative predictive value of 80%. In summary, the available evidence is currently insufficient to determine the role of this variant in disease. Therefore, it has been classified as a Variant of Uncertain Significance.

NM_001103.4(ACTN2):c.1670C>T (p.Ala557Val)

Gene: ACTN2 (actinin alpha 2; plus strand). Cytogenetic location: 1q43.
Variant type: single nucleotide variant.
Coding change: c.1670C>T on transcript NM_001103.4 (MANE Select); coding-DNA position 1670, C replaced by T.
Protein change: p.Ala557Val; replaces alanine 557 with valine.
Molecular consequence: missense variant.
Genome position (GRCh38, 1-based): chr1:236,751,483, C>T. VCF-style: chr1-236751483-C-T. GRCh37 (hg19) VCF-style: chr1-236914783-C-T.
Other names: c.1670C>T, p.Ala557Val (NM_001278343.2); c.1046C>T, p.Ala349Val (NM_001278344.2); c.920C>T, p.Ala307Val (NM_001412150.1); short protein forms A557V, A349V, A307V.
Identifiers: ClinVar variation 2165226 (VCV002165226.4), dbSNP rs1389785784, ClinGen allele CA345385687.